The following is an entry in ClinVar:

NM_000089.4(COL1A2):c.1415G>A (p.Gly472Asp)

Gene: COL1A2 (collagen type I alpha 2 chain; plus strand). Cytogenetic location: 7q21.3.
Variant type: single nucleotide variant.
Coding change: c.1415G>A on transcript NM_000089.4 (MANE Select); coding-DNA position 1415, G replaced by A.
Protein change: p.Gly472Asp; replaces glycine 472 with aspartic acid.
Molecular consequence: missense variant.
Genome position (GRCh38, 1-based): chr7:94,412,594, G>A. VCF-style: chr7-94412594-G-A. GRCh37 (hg19) VCF-style: chr7-94041906-G-A.
Other names: short protein forms G472D.
Identifiers: ClinVar variation 4532083 (VCV004532083.1).
Genomic context (GRCh38, chr7:94,412,594, plus strand): 5'-TTGTGAGAATATGTTGACACTGAGTAAACTTGAAATAACTCTGCTTTCAGGGCCTCCCTG[G>A]CATCGACGGCAGGCCTGGCCCAATTGGCCCAGCTGGAGCAAGAGGAGAGCCTGGCAACAT-3'
Protein context (NP_000080.2, residues 462-482): AGKEGPVGLP[Gly472Asp]IDGRPGPIGP

ClinVar aggregate classification (germline): Likely pathogenic (1 of 4 stars; one submission).

Conditions:
Osteogenesis imperfecta, perinatal lethal (OI2). Also called: OSTEOGENESIS IMPERFECTA, TYPE II; Osteogenesis imperfecta, dominant perinatal lethal; OI, TYPE II; OSTEOGENESIS IMPERFECTA CONGENITA; VROLIK TYPE OF OSTEOGENESIS IMPERFECTA; Osteogenesis imperfecta type 2. Identifiers: Orphanet 216804, MedGen C0268358, MONDO:0008147, OMIM 166210.

Submission:

Victorian Clinical Genetics Services, Murdoch Childrens Research Institute
Classification: Likely pathogenic for Osteogenesis imperfecta, perinatal lethal. Last evaluated: 2025-07-24. Review status: criteria provided, single submitter. Criteria: ACMG Guidelines, 2015. Collection method: clinical testing. Allele origin: germline. Affected: yes.
Comment: This variant is classified as Likely pathogenic. Evidence in support of pathogenic classification: Variant is absent from gnomAD (v2, v3 and v4); Other missense variant(s) comparable to the one identified in this case have moderate previous evidence for pathogenicity. p.(Gly472Arg) has been classified as pathogenic by a clinical laboratory in ClinVar. Additionally, p.(Gly472Cys) has been reported as de novo in an affected fetus with osteogenesis imperfecta type II (PMID: 34958143); Variant is located in the well-established functional Gly-X-Y motif and affects a glycine residue (DECIPHER); Missense variant predicted to be damaging by in silico tool(s) or highly conserved with a major amino acid change. Additional information: Variant is predicted to result in a missense amino acid change from Gly to Asp; This variant is heterozygous; This gene is associated with both recessive and dominant disease. Most phenotypes associated with this gene are autosomal dominant; however, the cardiac valvular type of Ehlers-Danlos syndrome (MIM#225320) is recessive (OMIM); This variant has no previous evidence of pathogenicity; No published evidence of segregation with disease has been identified for this variant; No published functional evidence has been identified for this variant; Dominant negative and loss of function are known mechanisms of disease in this gene. Heterozygous missense variants causing severe and lethal forms of osteogenesis imperfecta (MIM#s166210, 259420 & 166220) are due to a dominant negative mechanism, whereas biallelic loss of function variants result in the autosomal recessive form of Ehlers-Danlos syndrome (MIM#225320). The exact mechanism of disease for the autosomal dominant form of Ehlers-Danlos syndrome (MIM#2617821) remains unclear; however, variants have been shown to result in the whole or partial skipping of exon 6 (PMID: 12362985, PMID: 31218159); Inheritance information for this variant is not currently available in this individual.

Literature cited by the submitters: PubMed 34958143; PubMed 12362985; PubMed 31218159.